The following is an entry in ClinVar:

ClinVar aggregate classification (germline): Uncertain significance (1 of 4 stars; one submission).

Submission:

GeneDx
Classification: Uncertain significance. Last evaluated: 2024-03-08. Review status: criteria provided, single submitter. Criteria: GeneDx Variant Classification Process June 2021. Collection method: clinical testing. Allele origin: germline. Affected: yes.
Comment: Previously reported as a de novo variant in a proband from a large cohort of individuals with a developmental disorder in published literature; however, additional clinical information was not provided (PMID: 33057194); In silico analysis supports that this missense variant has a deleterious effect on protein structure/function; Not observed at significant frequency in large population cohorts (gnomAD); This variant is associated with the following publications: (PMID: 35982159, 33057194)

NM_207122.2(EXT2):c.1705C>T (p.Arg569Cys)

Gene: EXT2 (exostosin glycosyltransferase 2; plus strand). Cytogenetic location: 11p11.2.
Variant type: single nucleotide variant.
Coding change: c.1705C>T on transcript NM_207122.2 (MANE Select); coding-DNA position 1705, C replaced by T.
Protein change: p.Arg569Cys; replaces arginine 569 with cysteine.
Molecular consequence: missense variant.
Genome position (GRCh38, 1-based): chr11:44,232,395, C>T. VCF-style: chr11-44232395-C-T. GRCh37 (hg19) VCF-style: chr11-44253945-C-T.
Other names: c.1804C>T, p.Arg602Cys (NM_000401.3); c.1735C>T, p.Arg579Cys (NM_001178083.3); c.1705C>T, p.Arg569Cys (NM_001389628.1, NM_001389630.1); short protein forms R569C, R579C, R602C.
Identifiers: ClinVar variation 3340899 (VCV003340899.1).
Genomic context (GRCh38, chr11:44,232,395, plus strand): 5'-TTATGTGTCTGTCCTTAGGTCTGGCGGGAATTTCCTGACCGGTTGGTGGGTTACCCGGGT[C>T]GTCTGCATCTCTGGGACCATGAGATGAATAAGTGGAAGTATGAGTCTGAGTGGACGAATG-3'
Protein context (NP_997005.1, residues 559-579): FPDRLVGYPG[Arg569Cys]LHLWDHEMNK